The following is an entry in ClinVar:

NM_022450.5(RHBDF1):c.200G>A (p.Arg67Gln)

Gene: RHBDF1 (rhomboid 5 homolog 1; minus strand). Cytogenetic location: 16p13.3.
Variant type: single nucleotide variant.
Coding change: c.200G>A on transcript NM_022450.5 (MANE Select); coding-DNA position 200, G replaced by A.
Protein change: p.Arg67Gln; replaces arginine 67 with glutamine.
Molecular consequence: missense variant.
Genome position (GRCh38, 1-based): chr16:64,747, C>T on the plus strand (G>A on the coding strand, the complement: RHBDF1 is on the minus strand). VCF-style: chr16-64747-C-T. GRCh37 (hg19) VCF-style: chr16-114745-C-T.
Other names: short protein forms R67Q.
Identifiers: ClinVar variation 487605 (VCV000487605.1), dbSNP rs757169652, ClinGen allele CA7768735.

ClinVar aggregate classification (germline): Uncertain significance (0 of 4 stars; one submission).

Conditions:
Wolff-Parkinson-White pattern. Also called: WPW SYNDROME; Auriculoventricular accessory pathway syndrome; False bundle branch block syndrome; Anomalous ventricular excitation syndrome. Identifiers: MedGen C0043202, MONDO:0008685, OMIM 194200, HP:0001716.

Allele frequency attached by ClinVar (database versions not stated): gnomAD exomes 0.00002 and 0.00005; gnomAD 0.00007; TOPMed 0.00007; 1000 Genomes Project 30x 0.00031.
gnomAD v4.1: 81 of 1,613,840 alleles (0.005%); highest among the groups gnomAD compares: African/African-American, 0.02%; no homozygotes.

Submission:

Lupski Lab, Baylor-Hopkins CMG, Baylor College of Medicine
Classification: Uncertain significance for Wolff-Parkinson-White pattern. Last evaluated: 2017-07-14. Review status: no assertion criteria provided. Collection method: research. Allele origin: inherited. Affected: yes. Observed: 1 variant allele. Study: Candidate_variants_in_patients_with_ Wolff-Parkinson-White Syndrome.